The following is an entry in ClinVar:

ClinVar aggregate classification (germline): Uncertain significance (1 of 4 stars; one submission).

Allele frequency attached by ClinVar (database versions not stated): TOPMed 0.00003; ExAC 0.00004.
gnomAD v4.1: 27 of 1,610,920 alleles (0.0017%); highest among the groups gnomAD compares: South Asian, 0.011%; no homozygotes.

Submission:

Labcorp Genetics (formerly Invitae), Labcorp
Classification: Uncertain significance. Last evaluated: 2022-09-01. Review status: criteria provided, single submitter. Criteria: Invitae Variant Classification Sherloc (09022015). Collection method: clinical testing. Allele origin: germline.
Comment: This sequence change replaces alanine, which is neutral and non-polar, with threonine, which is neutral and polar, at codon 234 of the CERKL protein (p.Ala234Thr). This variant is present in population databases (rs775435174, gnomAD 0.02%). This variant has not been reported in the literature in individuals affected with CERKL-related conditions. ClinVar contains an entry for this variant (Variation ID: 1425964). Algorithms developed to predict the effect of missense changes on protein structure and function (SIFT, PolyPhen-2, Align-GVGD) all suggest that this variant is likely to be tolerated. Algorithms developed to predict the effect of sequence changes on RNA splicing suggest that this variant may disrupt the consensus splice site. In summary, the available evidence is currently insufficient to determine the role of this variant in disease. Therefore, it has been classified as a Variant of Uncertain Significance.

NM_201548.5(CERKL):c.677+570G>A

Gene: CERKL (ceramide kinase like; minus strand). Cytogenetic location: 2q31.3.
Variant type: single nucleotide variant.
Coding change: c.677+570G>A on transcript NM_201548.5 (MANE Select); 570 bases into the intron after coding-DNA position 677, G replaced by A.
Molecular consequence: intron variant. On other transcripts: missense variant (2).
Genome position (GRCh38, 1-based): chr2:181,565,488, C>T on the plus strand (G>A on the coding strand, the complement: CERKL is on the minus strand). VCF-style: chr2-181565488-C-T. GRCh37 (hg19) VCF-style: chr2-182430215-C-T.
Other names: c.700G>A, p.Ala234Thr (NM_001030311.3); c.568G>A, p.Ala190Thr (NM_001160277.2); c.482-15780G>A (NM_001030312.3); c.613+8265G>A (NM_001030313.3); short protein forms A234T, A190T.
Identifiers: ClinVar variation 1425964 (VCV001425964.5), dbSNP rs775435174, ClinGen allele CA2010710.